The following is an entry in ClinVar:

NM_014363.6(SACS):c.7613C>T (p.Ala2538Val)

Gene: SACS (sacsin molecular chaperone; minus strand). Cytogenetic location: 13q12.12.
Variant type: single nucleotide variant.
Coding change: c.7613C>T on transcript NM_014363.6 (MANE Select); coding-DNA position 7613, C replaced by T.
Protein change: p.Ala2538Val; replaces alanine 2538 with valine.
Molecular consequence: missense variant.
Genome position (GRCh38, 1-based): chr13:23,336,263, G>A on the plus strand (C>T on the coding strand, the complement: SACS is on the minus strand). VCF-style: chr13-23336263-G-A. GRCh37 (hg19) VCF-style: chr13-23910402-G-A.
Other names: c.7172C>T, p.Ala2391Val (NM_001278055.2); short protein forms A2538V, A2391V.
Identifiers: ClinVar variation 961279 (VCV000961279.7), dbSNP rs1397645663, ClinGen allele CA387518642.
Genomic context (GRCh38, chr13:23,336,263, plus strand): 5'-GCCTTTGCATCATCAGCATTTTGAAGAAGCTCTTTCAACATTTCCTTTTCAGAAGGATAT[G>A]CATTAAGGATGCTCTTAATTCTGCTGGTCAATTTTTCTTTCTGCCCAAATTCTGTGCCAA-3'
Protein context (NP_055178.3, residues 2528-2548): LTSRIKSILN[Ala2538Val]YPSEKEMLKE

ClinVar aggregate classification (germline): Uncertain significance (1 of 4 stars; one submission).

Conditions:
Spastic paraplegia. Identifiers: MedGen C0037772, HP:0001258.

Allele frequency attached by ClinVar (database versions not stated): gnomAD exomes below 0.00001 and 0.00001; TOPMed below 0.00001; gnomAD 0.00001.
gnomAD v4.1: 22 of 1,613,926 alleles (0.0014%); highest among the groups gnomAD compares: Non-Finnish European, 0.0017%; no homozygotes.

Submission:

Labcorp Genetics (formerly Invitae), Labcorp
Classification: Uncertain significance for Spastic paraplegia. Last evaluated: 2021-08-30. Review status: criteria provided, single submitter. Criteria: Invitae Variant Classification Sherloc (09022015). Collection method: clinical testing. Allele origin: germline.
Comment: This sequence change replaces alanine with valine at codon 2538 of the SACS protein (p.Ala2538Val). The alanine residue is moderately conserved and there is a small physicochemical difference between alanine and valine. This variant is not present in population databases (ExAC no frequency). This variant has not been reported in the literature in individuals affected with SACS-related conditions. Algorithms developed to predict the effect of missense changes on protein structure and function are either unavailable or do not agree on the potential impact of this missense change (SIFT: "Deleterious"; PolyPhen-2: "Probably Damaging"; Align-GVGD: "Class C0"). In summary, the available evidence is currently insufficient to determine the role of this variant in disease. Therefore, it has been classified as a Variant of Uncertain Significance.